The following is an entry in ClinVar:

ClinVar aggregate classification (germline): Uncertain significance. Review status: criteria provided, multiple submitters, no conflicts (2 of 4 stars). 2 submissions from 2 submitters: Uncertain significance (2). Last evaluated 2024-10-01.

Conditions:
Charcot-Marie-Tooth disease type 2. Also called: Charcot-Marie-Tooth type 2. Identifiers: Orphanet 64746, MedGen C0270914, MONDO:0018993.

Submissions (3):

Labcorp Genetics (formerly Invitae), Labcorp
Classification: Uncertain significance for Charcot-Marie-Tooth disease type 2. Last evaluated: 2024-10-01. Review status: criteria provided, single submitter. Criteria: Invitae Variant Classification Sherloc (09022015). Collection method: clinical testing. Allele origin: germline.
Comment: This sequence change replaces glycine, which is neutral and non-polar, with arginine, which is basic and polar, at codon 125 of the MFN2 protein (p.Gly125Arg). This variant is not present in population databases (gnomAD no frequency). This variant has not been reported in the literature in individuals affected with MFN2-related conditions. ClinVar contains an entry for this variant (Variation ID: 804715). Invitae Evidence Modeling of protein sequence and biophysical properties (such as structural, functional, and spatial information, amino acid conservation, physicochemical variation, residue mobility, and thermodynamic stability) indicates that this missense variant is expected to disrupt MFN2 protein function with a positive predictive value of 95%. In summary, the available evidence is currently insufficient to determine the role of this variant in disease. Therefore, it has been classified as a Variant of Uncertain Significance.

Athena Diagnostics
Classification: Uncertain significance. Last evaluated: 2023-12-29. Review status: criteria provided, single submitter. Criteria: Athena Diagnostics Criteria. Collection method: clinical testing. Allele origin: unknown.
Comment: Available data are insufficient to determine the clinical significance of the variant at this time. This variant has not been reported in large, multi-ethnic general populations. Computational tools predict that this variant is damaging. The variant is located in a region that is considered important for protein function and/or structure.

Dr. Peter K. Rogan Lab, Western University
No classification provided (evidence only). Condition: Melanoma. Review status: no classification provided. Collection method: in vitro. Allele origin: not applicable. Functional consequence: retained intron. Not counted in ClinVar's aggregate classification.

NM_014874.4(MFN2):c.373G>A (p.Gly125Arg)

Gene: MFN2 (mitofusin 2; plus strand). Cytogenetic location: 1p36.22.
Variant type: single nucleotide variant.
Coding change: c.373G>A on transcript NM_014874.4 (MANE Select); coding-DNA position 373, G replaced by A.
Protein change: p.Gly125Arg; replaces glycine 125 with arginine.
Molecular consequence: missense variant.
Genome position (GRCh38, 1-based): chr1:11,996,217, G>A. VCF-style: chr1-11996217-G-A. GRCh37 (hg19) VCF-style: chr1-12056274-G-A.
Other names: c.373G>A, p.Gly125Arg (NM_001127660.2); short protein forms G125R.
Identifiers: ClinVar variation 804715 (VCV000804715.7), dbSNP rs1569829787, ClinGen allele CA338434391.
Genomic context (GRCh38, chr1:11,996,217, plus strand): 5'-ACGAGCAATGGGAAGAGCACCGTGATCAATGCCATGCTCTGGGACAAAGTTCTGCCCTCT[G>A]GGATTGGCCACACCACCAATTGCTTCCTGCGGGTAGAGGGCACAGATGGCCATGAGGCCT-3'
Protein context (NP_055689.1, residues 115-135): AMLWDKVLPS[Gly125Arg]IGHTTNCFLR